The following is an entry in ClinVar:

NM_001854.4(COL11A1):c.2173C>T (p.Leu725Phe)

Gene: COL11A1 (collagen type XI alpha 1 chain; minus strand). Cytogenetic location: 1p21.1.
Variant type: single nucleotide variant.
Coding change: c.2173C>T on transcript NM_001854.4 (MANE Select); coding-DNA position 2173, C replaced by T.
Protein change: p.Leu725Phe; replaces leucine 725 with phenylalanine.
Molecular consequence: missense variant. On other transcripts: non-coding transcript variant (1).
Genome position (GRCh38, 1-based): chr1:102,998,333, G>A on the plus strand (C>T on the coding strand, the complement: COL11A1 is on the minus strand). VCF-style: chr1-102998333-G-A. GRCh37 (hg19) VCF-style: chr1-103463889-G-A.
Other names: c.2056C>T, p.Leu686Phe (NM_001190709.2); c.2209C>T, p.Leu737Phe (NM_080629.3); c.1825C>T, p.Leu609Phe (NM_080630.4); short protein forms L725F, L737F, L609F, L686F.
Identifiers: ClinVar variation 1472151 (VCV001472151.6), dbSNP rs1450257151, ClinGen allele CA341170215.

ClinVar aggregate classification (germline): Uncertain significance (1 of 4 stars; one submission).

Allele frequency attached by ClinVar (database versions not stated): gnomAD exomes below 0.00001; gnomAD 0.00001.
gnomAD v4.1: 3 of 1,604,904 alleles (0.00019%); highest among the groups gnomAD compares: Non-Finnish European, 0.00026%; no homozygotes.

Submission:

Labcorp Genetics (formerly Invitae), Labcorp
Classification: Uncertain significance. Last evaluated: 2021-11-04. Review status: criteria provided, single submitter. Criteria: Invitae Variant Classification Sherloc (09022015). Collection method: clinical testing. Allele origin: germline.
Comment: This sequence change replaces leucine, which is neutral and non-polar, with phenylalanine, which is neutral and non-polar, at codon 725 of the COL11A1 protein (p.Leu725Phe). This variant is present in population databases (no rsID available, gnomAD 0.01%). This variant has not been reported in the literature in individuals affected with COL11A1-related conditions. Advanced modeling of protein sequence and biophysical properties (such as structural, functional, and spatial information, amino acid conservation, physicochemical variation, residue mobility, and thermodynamic stability) performed at Invitae indicates that this missense variant is not expected to disrupt COL11A1 protein function. In summary, the available evidence is currently insufficient to determine the role of this variant in disease. Therefore, it has been classified as a Variant of Uncertain Significance.